The following is an entry in ClinVar:

NM_001365951.3(KIF1B):c.214C>T (p.Arg72Cys)

Gene: KIF1B (kinesin family member 1B; plus strand). Cytogenetic location: 1p36.22.
Variant type: single nucleotide variant.
Coding change: c.214C>T on transcript NM_001365951.3 (MANE Select); coding-DNA position 214, C replaced by T.
Protein change: p.Arg72Cys; replaces arginine 72 with cysteine.
Molecular consequence: missense variant.
Genome position (GRCh38, 1-based): chr1:10,258,523, C>T. VCF-style: chr1-10258523-C-T. GRCh37 (hg19) VCF-style: chr1-10318581-C-T.
Other names: c.214C>T, p.Arg72Cys (NM_001365952.1, NM_001365953.1, NM_015074.3 and 1 more transcripts); short protein forms R72C.
Identifiers: ClinVar variation 1010120 (VCV001010120.11), dbSNP rs953019155, ClinGen allele CA17832775.
Genomic context (GRCh38, chr1:10,258,523, plus strand): 5'-GTTATTTATTTCTCCTTTTACTCTTTACAGCCCGAAGATCCCTGTTTTGCATCTCAAAAC[C>T]GTGTGTACAATGACATTGGCAAGGAAATGCTCTTACACGCCTTTGAGGGATATAATGTCT-3'
Protein context (NP_001352880.1, residues 62-82): PEDPCFASQN[Arg72Cys]VYNDIGKEML

ClinVar aggregate classification (germline): Conflicting classifications of pathogenicity. Review status: criteria provided, conflicting classifications (1 of 4 stars). 2 submissions from 2 submitters: Uncertain significance (1); Likely benign (1). Last evaluated 2025-10-07.

Conditions:
Charcot-Marie-Tooth disease type 2. Also called: Charcot-Marie-Tooth type 2. Identifiers: Orphanet 64746, MedGen C0270914, MONDO:0018993.

Allele frequency attached by ClinVar (database versions not stated): TOPMed 0.00002; gnomAD 0.00001; gnomAD exomes 0.00002.
gnomAD v4.1: 10 of 1,613,832 alleles (0.00062%); highest among the groups gnomAD compares: Admixed American, 0.005%; no homozygotes.

Submissions (2):

Labcorp Genetics (formerly Invitae), Labcorp
Classification: Uncertain significance for Charcot-Marie-Tooth disease type 2. Last evaluated: 2025-10-07. Review status: criteria provided, single submitter. Criteria: Invitae Variant Classification Sherloc (09022015). Collection method: clinical testing. Allele origin: germline.
Comment: This sequence change replaces arginine, which is basic and polar, with cysteine, which is neutral and slightly polar, at codon 72 of the KIF1B protein (p.Arg72Cys). This variant is present in population databases (no rsID available, gnomAD 0.009%). This variant has not been reported in the literature in individuals affected with KIF1B-related conditions. ClinVar contains an entry for this variant (Variation ID: 1010120). Invitae Evidence Modeling of protein sequence and biophysical properties (such as structural, functional, and spatial information, amino acid conservation, physicochemical variation, residue mobility, and thermodynamic stability) indicates that this missense variant is not expected to disrupt KIF1B protein function with a negative predictive value of 80%. In summary, the available evidence is currently insufficient to determine the role of this variant in disease. Therefore, it has been classified as a Variant of Uncertain Significance.

Ambry Genetics
Classification: Likely benign. Last evaluated: 2020-06-25. Review status: criteria provided, single submitter. Criteria: Ambry Variant Classification Scheme 2023. Collection method: clinical testing. Allele origin: germline.